The following is an entry in ClinVar:

ClinVar aggregate classification (germline): Uncertain significance (1 of 4 stars; one submission).

Submission:

GeneDx
Classification: Uncertain significance. Last evaluated: 2024-07-20. Review status: criteria provided, single submitter. Criteria: GeneDx Variant Classification Process June 2021. Collection method: clinical testing. Allele origin: germline. Affected: yes.
Comment: Not observed at significant frequency in large population cohorts (gnomAD); In silico analysis indicates that this missense variant does not alter protein structure/function; Has not been previously published as pathogenic or benign to our knowledge

NM_002470.4(MYH3):c.836A>G (p.Lys279Arg)

Gene: MYH3 (myosin heavy chain 3; minus strand). Cytogenetic location: 17p13.1.
Variant type: single nucleotide variant.
Coding change: c.836A>G on transcript NM_002470.4 (MANE Select); coding-DNA position 836, A replaced by G.
Protein change: p.Lys279Arg; replaces lysine 279 with arginine.
Molecular consequence: missense variant.
Genome position (GRCh38, 1-based): chr17:10,647,244, T>C on the plus strand (A>G on the coding strand, the complement: MYH3 is on the minus strand). VCF-style: chr17-10647244-T-C. GRCh37 (hg19) VCF-style: chr17-10550561-T-C.
Other names: short protein forms K279R.
Identifiers: ClinVar variation 3573875 (VCV003573875.1).